The following is an entry in ClinVar:

NM_001953.5(TYMP):c.1286A>T (p.Gln429Leu)

Genes: SCO2 (synthesis of cytochrome C oxidase 2; minus strand), TYMP (thymidine phosphorylase; minus strand), LOC130067862 (ATAC-STARR-seq lymphoblastoid silent region 13986; plus strand). Cytogenetic location: 22q13.33.
Variant type: single nucleotide variant.
Coding change: c.1286A>T on transcript NM_001953.5 (MANE Select); coding-DNA position 1286, A replaced by T.
Protein change: p.Gln429Leu; replaces glutamine 429 with leucine.
Molecular consequence: missense variant. On other transcripts: 5 prime UTR variant (1), intron variant (1).
Genome position (GRCh38, 1-based): chr22:50,526,015, T>A on the plus strand (A>T on the coding strand, the complement: TYMP is on the minus strand). VCF-style: chr22-50526015-T-A. GRCh37 (hg19) VCF-style: chr22-50964444-T-A.
Other names: c.1286A>T, p.Gln429Leu (NM_001113755.3, NM_001113756.3, NM_001257988.1); c.1301A>T, p.Gln434Leu (NM_001257989.1); c.-28A>T (NM_001169110.1); c.-14+231A>T (NM_001169109.2); short protein forms Q429L, Q434L.
Identifiers: ClinVar variation 1315419 (VCV001315419.4), dbSNP rs534302884, ClinGen allele CA325560311.

ClinVar aggregate classification (germline): Uncertain significance (1 of 4 stars; one submission).

Allele frequency attached by ClinVar (database versions not stated): 1000 Genomes Project 30x 0.00016; 1000 Genomes Project 0.00020; gnomAD 0.00001.
gnomAD v4.1: 2 of 1,465,878 alleles (0.00014%); highest among the groups gnomAD compares: South Asian, 0.0013%; no homozygotes.

Submission:

GeneDx
Classification: Uncertain significance. Last evaluated: 2020-01-31. Review status: criteria provided, single submitter. Criteria: GeneDx Variant Classification Process June 2021. Collection method: clinical testing. Allele origin: germline. Affected: yes.
Comment: Not observed in large population cohorts (Lek et al., 2016); In silico analysis supports that this missense variant has a deleterious effect on protein structure/function; Has not been previously published as pathogenic or benign to our knowledge